The following is an entry in ClinVar:

ClinVar aggregate classification (germline): Uncertain significance (1 of 4 stars; one submission).

Submission:

Ambry Genetics
Classification: Uncertain significance. Last evaluated: 2025-12-15. Review status: criteria provided, single submitter. Criteria: Ambry Variant Classification Scheme 2023. Collection method: clinical testing. Allele origin: germline.
Comment: The p.R1615S variant (also known as c.4843C>A), located in coding exon 19 of the WNK2 gene, results from a C to A substitution at nucleotide position 4843. The arginine at codon 1615 is replaced by serine, an amino acid with dissimilar properties. This amino acid position is conserved. In addition, this alteration is predicted to be tolerated by in silico analysis. Based on the available evidence, the clinical significance of this variant remains unclear.

NM_006648.4(WNK2):c.4843C>A (p.Arg1615Ser)

Gene: WNK2 (WNK lysine deficient protein kinase 2; plus strand). Cytogenetic location: 9q22.31.
Variant type: single nucleotide variant.
Coding change: c.4843C>A on transcript NM_006648.4 (MANE Select); coding-DNA position 4843, C replaced by A.
Protein change: p.Arg1615Ser; replaces arginine 1615 with serine.
Molecular consequence: missense variant.
Genome position (GRCh38, 1-based): chr9:93,289,597, C>A. VCF-style: chr9-93289597-C-A. GRCh37 (hg19) VCF-style: chr9-96051879-C-A.
Other names: c.4954C>A, p.Arg1652Ser (NM_001282394.3); short protein forms R1615S, R1652S.
Identifiers: ClinVar variation 4842068 (VCV004842068.1).